The following is an entry in ClinVar:

ClinVar aggregate classification (germline): Uncertain significance (1 of 4 stars; one submission).

Conditions:
Brugada syndrome 7 (BRGDA7). Identifiers: Orphanet 130, MedGen C2751088, MONDO:0013146, OMIM 613120.

Submission:

Labcorp Genetics (formerly Invitae), Labcorp
Classification: Uncertain significance for Brugada syndrome 7. Last evaluated: 2024-06-09. Review status: criteria provided, single submitter. Criteria: Invitae Variant Classification Sherloc (09022015). Collection method: clinical testing. Allele origin: germline.
Comment: This sequence change replaces cysteine, which is neutral and slightly polar, with tyrosine, which is neutral and polar, at codon 22 of the SCN3B protein (p.Cys22Tyr). This variant is not present in population databases (gnomAD no frequency). This variant has not been reported in the literature in individuals affected with SCN3B-related conditions. An algorithm developed to predict the effect of missense changes on protein structure and function (PolyPhen-2) suggests that this variant is likely to be disruptive. In summary, the available evidence is currently insufficient to determine the role of this variant in disease. Therefore, it has been classified as a Variant of Uncertain Significance.

NM_001040151.2(SCN3B):c.65G>A (p.Cys22Tyr)

Gene: SCN3B (sodium voltage-gated channel beta subunit 3; minus strand). Cytogenetic location: 11q24.1.
Variant type: single nucleotide variant.
Coding change: c.65G>A on transcript NM_001040151.2 (MANE Select); coding-DNA position 65, G replaced by A.
Protein change: p.Cys22Tyr; replaces cysteine 22 with tyrosine.
Molecular consequence: missense variant.
Genome position (GRCh38, 1-based): chr11:123,645,741, C>T on the plus strand (G>A on the coding strand, the complement: SCN3B is on the minus strand). VCF-style: chr11-123645741-C-T. GRCh37 (hg19) VCF-style: chr11-123516449-C-T.
Other names: c.65G>A, p.Cys22Tyr (NM_018400.4); short protein forms C22Y.
Identifiers: ClinVar variation 3655998 (VCV003655998.2).